The following is an entry in ClinVar:

ClinVar aggregate classification (germline): Uncertain significance. Review status: reviewed by expert panel (3 of 4 stars). 2 submissions from 2 submitters: Uncertain significance (1). 1 of the submissions does not count toward it. Last evaluated 2024-10-29.

Conditions:
Hereditary thrombocytopenia and hematologic cancer predisposition syndrome. Identifiers: Orphanet 71290, MedGen CN281654, MONDO:0011071.
Hereditary thrombocytopenia and hematological cancer predisposition syndrome associated with RUNX1. Also called: RUNX1 Familial Platelet Disorder with Associated Myeloid Malignancies; PLATELET DISORDER, ASPIRIN-LIKE; Familial Platelet Disorder with Propensity to Acute Myelogenous Leukemia; Familial thrombocytopenia with propensity to acute myelogenous leukemia. Identifiers: Orphanet 71290, MedGen C1832388, MeSH C563324, MONDO:0100083, OMIM 601399.

Submissions (2):

ClinGen Myeloid Malignancy Variant Curation Expert Panel
Classification: Uncertain significance for Hereditary thrombocytopenia and hematologic cancer predisposition syndrome. Last evaluated: 2024-10-29. Review status: reviewed by expert panel. Criteria: ClinGen MyeloMalig ACMG Specifications v2. Collection method: curation. Allele origin: germline. Inheritance: Autosomal dominant inheritance.
Comment: NM_001754.5(RUNX1):c.1104G>A (p.Met368Ile) is a missense variant which has a REVEL score < 0.50 (0.444) and a SpliceAI score ≤ 0.20 (0.0) (BP4). This variant is completely absent from all population databases with at least 20x coverage for RUNX1 (PM2_Supporting). In summary, the clinical significance of this variant is uncertain. ACMG/AMP criteria applied, as specified by the Myeloid Malignancy Variant Curation Expert Panel for RUNX1: BP4, PM2_supporting.

Labcorp Genetics (formerly Invitae), Labcorp
Classification: Uncertain significance for Hereditary thrombocytopenia and hematological cancer predisposition syndrome associated with RUNX1. Last evaluated: 2021-09-01. Review status: criteria provided, single submitter. Criteria: Invitae Variant Classification Sherloc (09022015). Collection method: clinical testing. Allele origin: germline. Not counted in ClinVar's aggregate classification.

NM_001754.5(RUNX1):c.1104G>A (p.Met368Ile)

Gene: RUNX1 (RUNX family transcription factor 1; minus strand). Cytogenetic location: 21q22.12.
Variant type: single nucleotide variant.
Coding change: c.1104G>A on transcript NM_001754.5 (MANE Select); coding-DNA position 1104, G replaced by A.
Protein change: p.Met368Ile; replaces methionine 368 with isoleucine.
Molecular consequence: missense variant.
Genome position (GRCh38, 1-based): chr21:34,792,474, C>T on the plus strand (G>A on the coding strand, the complement: RUNX1 is on the minus strand). VCF-style: chr21-34792474-C-T. GRCh37 (hg19) VCF-style: chr21-36164771-C-T.
Other names: NM_001754.5(RUNX1):c.1104G>A; p.Met368Ile; c.1023G>A, p.Met341Ile (NM_001001890.3); short protein forms M341I, M368I.
Identifiers: ClinVar variation 863315 (VCV000863315.6), dbSNP rs2056457761, ClinGen allele CA410148112.